The following is an entry in ClinVar:

ClinVar aggregate classification (germline): Uncertain significance (1 of 4 stars; one submission).

Allele frequency attached by ClinVar (database versions not stated): gnomAD exomes below 0.00001.
gnomAD v4.1: 1 of 1,611,862 alleles (0.000062%); highest among the groups gnomAD compares: Admixed American, 0.0017%; no homozygotes.

Submission:

Labcorp Genetics (formerly Invitae), Labcorp
Classification: Uncertain significance. Last evaluated: 2022-08-16. Review status: criteria provided, single submitter. Criteria: Invitae Variant Classification Sherloc (09022015). Collection method: clinical testing. Allele origin: germline.
Comment: Algorithms developed to predict the effect of missense changes on protein structure and function are either unavailable or do not agree on the potential impact of this missense change (SIFT: "Tolerated"; PolyPhen-2: "Possibly Damaging"; Align-GVGD: "Class C0"). In summary, the available evidence is currently insufficient to determine the role of this variant in disease. Therefore, it has been classified as a Variant of Uncertain Significance. This variant has not been reported in the literature in individuals affected with PDE6C-related conditions. This sequence change replaces methionine, which is neutral and non-polar, with leucine, which is neutral and non-polar, at codon 549 of the PDE6C protein (p.Met549Leu). This variant is not present in population databases (gnomAD no frequency).

NM_006204.4(PDE6C):c.1645A>T (p.Met549Leu)

Gene: PDE6C (phosphodiesterase 6C; plus strand). Cytogenetic location: 10q23.33.
Variant type: single nucleotide variant.
Coding change: c.1645A>T on transcript NM_006204.4 (MANE Select); coding-DNA position 1645, A replaced by T.
Protein change: p.Met549Leu; replaces methionine 549 with leucine.
Molecular consequence: missense variant.
Genome position (GRCh38, 1-based): chr10:93,640,465, A>T. VCF-style: chr10-93640465-A-T. GRCh37 (hg19) VCF-style: chr10-95400222-A-T.
Other names: short protein forms M549L.
Identifiers: ClinVar variation 1961642 (VCV001961642.5), dbSNP rs2492533313, ClinGen allele CA377618451.